The following is an entry in ClinVar:

ClinVar aggregate classification (germline): Uncertain significance. Review status: criteria provided, single submitter (1 of 4 stars). 2 submissions from 2 submitters: Uncertain significance (1). 1 of the submissions does not count toward it. Last evaluated 2024-01-11.

Conditions:
Hereditary cancer-predisposing syndrome. Also called: Hereditary Cancer Syndrome; Hereditary neoplastic syndrome; Tumor predisposition; Neoplastic Syndromes, Hereditary. Identifiers: Orphanet 140162, MedGen C0027672, MeSH D009386, MONDO:0015356.
Lynch syndrome 5 (LYNCH5). Also called: Hereditary non-polyposis colorectal cancer, type 5; Colorectal cancer, hereditary nonpolyposis, type 5. Identifiers: Orphanet 144, MedGen C1833477, MONDO:0013710, OMIM 614350. Disease mechanism: loss of function.

Submissions (2):

Ambry Genetics
Classification: Uncertain significance for Hereditary cancer-predisposing syndrome. Last evaluated: 2024-01-11. Review status: criteria provided, single submitter. Criteria: Ambry Variant Classification Scheme 2023. Collection method: clinical testing. Allele origin: germline.
Comment: The c.105_107delCGC variant (also known as p.A37del) is located in coding exon 1 of the MSH6 gene. This variant results from an in-frame CGC deletion at nucleotide positions 105 to 107. This results in the in-frame deletion of an alanine at codon 37. This amino acid position is not well conserved in available vertebrate species. In addition, this alteration is predicted to be neutral by in silico analysis (Choi Y et al. PLoS ONE. 2012; 7(10):e46688). Since supporting evidence is limited at this time, the clinical significance of this alteration remains unclear.

Counsyl
Classification: Uncertain significance for Lynch syndrome 5. Last evaluated: 2018-05-29. Review status: no assertion criteria provided. Collection method: clinical testing. Allele origin: unknown. Not counted in ClinVar's aggregate classification.

NM_000179.3(MSH6):c.102CGC[1] (p.Ala37del)

Gene: MSH6 (mutS homolog 6; plus strand). Cytogenetic location: 2p16.3.
Variant type: Microsatellite.
Coding change: c.102CGC[1] on transcript NM_000179.3 (MANE Select); one copy of the 3-base unit CGC starting at c.102; the reference has two copies in a row; one copy, 3 bases deleted.
Protein change: p.Ala37del; deletes alanine 37.
Molecular consequence: inframe deletion. On other transcripts: 5 prime UTR variant (1).
Genome position (GRCh38, 1-based): chr2:47,783,338-47,783,340, CGC deleted; deleting any 3 consecutive bases within chr2:47,783,333-47,783,340 gives the same sequence; the position shown is the placement nearest the transcript's 3' end. VCF-style (leftmost placement, unchanged base first): chr2-47783332-TGCC-T. GRCh37 (hg19) VCF-style: chr2-48010471-TGCC-T.
Other names: c.102CGC[1], p.Ala37del (NM_001281492.2); c.-635CGC[1] (NM_001281493.2); c.105_107delCGC (NM_000179.2); short protein forms A37del.
Identifiers: ClinVar variation 548921 (VCV000548921.4), dbSNP rs1553408197, ClinGen allele CA658823250.